The following is an entry in ClinVar:

NM_001104631.2(PDE4D):c.265G>C (p.Gly89Arg)

Gene: PDE4D (phosphodiesterase 4D; minus strand). Cytogenetic location: 5q12.1.
Variant type: single nucleotide variant.
Coding change: c.265G>C on transcript NM_001104631.2 (MANE Select); coding-DNA position 265, G replaced by C.
Protein change: p.Gly89Arg; replaces glycine 89 with arginine.
Molecular consequence: missense variant. On other transcripts: intron variant (5).
Genome position (GRCh38, 1-based): chr5:59,893,358, C>G on the plus strand (G>C on the coding strand, the complement: PDE4D is on the minus strand). VCF-style: chr5-59893358-C-G. GRCh37 (hg19) VCF-style: chr5-59189185-C-G.
Other names: c.272+95130G>C (NM_001364599.1, NM_001165899.2, NM_001364600.2); c.-240+95130G>C (NM_001349243.2); c.242+95130G>C (NM_001349241.2); short protein forms G89R.
Identifiers: ClinVar variation 1352489 (VCV001352489.8), dbSNP rs1249600634, ClinGen allele CA359932744.

ClinVar aggregate classification (germline): Uncertain significance (1 of 4 stars; one submission).

gnomAD v4.1: 4 of 1,254,508 alleles (0.00032%); highest among the groups gnomAD compares: Admixed American, 0.0043%; no homozygotes.

Submission:

Labcorp Genetics (formerly Invitae), Labcorp
Classification: Uncertain significance. Last evaluated: 2024-02-17. Review status: criteria provided, single submitter. Criteria: Invitae Variant Classification Sherloc (09022015). Collection method: clinical testing. Allele origin: germline.
Comment: This sequence change replaces glycine, which is neutral and non-polar, with arginine, which is basic and polar, at codon 89 of the PDE4D protein (p.Gly89Arg). The frequency data for this variant in the population databases is considered unreliable, as metrics indicate poor data quality at this position in the gnomAD database. This variant has not been reported in the literature in individuals affected with PDE4D-related conditions. ClinVar contains an entry for this variant (Variation ID: 1352489). An algorithm developed to predict the effect of missense changes on protein structure and function (PolyPhen-2) suggests that this variant is likely to be tolerated. In summary, the available evidence is currently insufficient to determine the role of this variant in disease. Therefore, it has been classified as a Variant of Uncertain Significance.